The following is an entry in ClinVar:

NM_000245.4(MET):c.2921G>A (p.Arg974Lys)

Gene: MET (MET proto-oncogene, receptor tyrosine kinase; plus strand). Cytogenetic location: 7q31.2.
Variant type: single nucleotide variant.
Coding change: c.2921G>A on transcript NM_000245.4 (MANE Select); coding-DNA position 2921, G replaced by A.
Protein change: p.Arg974Lys; replaces arginine 974 with lysine.
Molecular consequence: missense variant.
Genome position (GRCh38, 1-based): chr7:116,771,882, G>A. VCF-style: chr7-116771882-G-A. GRCh37 (hg19) VCF-style: chr7-116411936-G-A.
Other names: c.2975G>A, p.Arg992Lys (NM_001127500.3); c.1631G>A, p.Arg544Lys (NM_001324402.2); short protein forms R544K, R992K, R974K.
Identifiers: ClinVar variation 2197591 (VCV002197591.5), dbSNP rs2116996275, ClinGen allele CA368987039.

ClinVar aggregate classification (germline): Uncertain significance. Review status: criteria provided, multiple submitters, no conflicts (2 of 4 stars). 2 submissions from 2 submitters: Uncertain significance (2). Last evaluated 2024-03-26.

Conditions:
Renal cell carcinoma. Identifiers: Orphanet 217071, MedGen C0007134, MeSH D002292, MONDO:0005086, HP:0005584.
Hereditary cancer-predisposing syndrome. Also called: Hereditary neoplastic syndrome; Neoplastic Syndromes, Hereditary; Hereditary Cancer Syndrome; Tumor predisposition. Identifiers: Orphanet 140162, MedGen C0027672, MeSH D009386, MONDO:0015356.

Allele frequency attached by ClinVar (database versions not stated): gnomAD exomes below 0.00001.

Submissions (2):

Labcorp Genetics (formerly Invitae), Labcorp
Classification: Uncertain significance for Renal cell carcinoma. Last evaluated: 2024-03-26. Review status: criteria provided, single submitter. Criteria: Invitae Variant Classification Sherloc (09022015). Collection method: clinical testing. Allele origin: germline.
Comment: This sequence change replaces arginine, which is basic and polar, with lysine, which is basic and polar, at codon 992 of the MET protein (p.Arg992Lys). This variant is not present in population databases (gnomAD no frequency). This variant has not been reported in the literature in individuals affected with MET-related conditions. ClinVar contains an entry for this variant (Variation ID: 2197591). An algorithm developed to predict the effect of missense changes on protein structure and function (PolyPhen-2) suggests that this variant is likely to be disruptive. In summary, the available evidence is currently insufficient to determine the role of this variant in disease. Therefore, it has been classified as a Variant of Uncertain Significance.

Ambry Genetics
Classification: Uncertain significance for Hereditary cancer-predisposing syndrome. Last evaluated: 2023-10-08. Review status: criteria provided, single submitter. Criteria: Ambry Variant Classification Scheme 2023. Collection method: clinical testing. Allele origin: germline.
Comment: The p.R992K variant (also known as c.2975G>A), located in coding exon 13 of the MET gene, results from a G to A substitution at nucleotide position 2975. The arginine at codon 992 is replaced by lysine, an amino acid with highly similar properties. This amino acid position is conserved. In addition, the in silico prediction for this alteration is inconclusive. Since supporting evidence is limited at this time, the clinical significance of this alteration remains unclear.